The following is an entry in ClinVar:

ClinVar aggregate classification (germline): Conflicting classifications of pathogenicity. Review status: criteria provided, conflicting classifications (1 of 4 stars). 4 submissions from 4 submitters: Uncertain significance (3); Likely benign (1). Last evaluated 2025-08-06.

Conditions:
Inborn genetic diseases. Identifiers: MedGen C0950123, MeSH D030342.
Symmetrical dyschromatosis of extremities (DSH). Also called: RETICULATE ACROPIGMENTATION OF DOHI; SYMMETRIC DYSCHROMATOSIS OF THE EXTREMITIES; Dyschromatosis symmetrica hereditaria; DYSCHROMATOSIS SYMMETRICA HEREDITARIA 1. Identifiers: Orphanet 41, MedGen C0406775, MONDO:0007483, OMIM 127400.
Aicardi-Goutieres syndrome 6 (AGS6). Identifiers: Orphanet 51, MedGen C3539013, MONDO:0014007, OMIM 615010.

Allele frequency attached by ClinVar (database versions not stated): gnomAD exomes 0.00001.
gnomAD v4.1: 4 of 1,614,116 alleles (0.00025%); highest among the groups gnomAD compares: Non-Finnish European, 0.00034%; no homozygotes.

Submissions (4):

Labcorp Genetics (formerly Invitae), Labcorp
Classification: Uncertain significance for Aicardi-Goutieres syndrome 6; Symmetrical dyschromatosis of extremities. Last evaluated: 2025-08-06. Review status: criteria provided, single submitter. Criteria: Invitae Variant Classification Sherloc (09022015). Collection method: clinical testing. Allele origin: germline.
Comment: This sequence change replaces lysine, which is basic and polar, with arginine, which is basic and polar, at codon 637 of the ADAR protein (p.Lys637Arg). This variant is not present in population databases (gnomAD no frequency). This variant has not been reported in the literature in individuals affected with ADAR-related conditions. ClinVar contains an entry for this variant (Variation ID: 292772). Invitae Evidence Modeling of protein sequence and biophysical properties (such as structural, functional, and spatial information, amino acid conservation, physicochemical variation, residue mobility, and thermodynamic stability) indicates that this missense variant is not expected to disrupt ADAR protein function with a negative predictive value of 80%. In summary, the available evidence is currently insufficient to determine the role of this variant in disease. Therefore, it has been classified as a Variant of Uncertain Significance.

Ambry Genetics
Classification: Likely benign for Inborn genetic diseases. Last evaluated: 2023-06-02. Review status: criteria provided, single submitter. Criteria: Ambry Variant Classification Scheme 2023. Collection method: clinical testing. Allele origin: germline.

GeneDx
Classification: Uncertain significance. Last evaluated: 2019-08-12. Review status: criteria provided, single submitter. Criteria: GeneDx Variant Classification Process June 2021. Collection method: clinical testing. Allele origin: germline. Affected: yes.
Comment: Not observed in large population cohorts (Lek et al., 2016); In silico analysis, which includes protein predictors and evolutionary conservation, supports that this variant does not alter protein structure/function; Has not been previously published as pathogenic or benign to our knowledge

Illumina Laboratory Services, Illumina
Classification: Uncertain significance for Symmetrical dyschromatosis of extremities. Last evaluated: 2018-01-13. Review status: criteria provided, single submitter. Criteria: ICSL Variant Classification Criteria 13 December 2019. Collection method: clinical testing. Allele origin: germline.

NM_001111.5(ADAR):c.1910A>G (p.Lys637Arg)

Gene: ADAR (adenosine deaminase RNA specific; minus strand). Cytogenetic location: 1q21.3.
Variant type: single nucleotide variant.
Coding change: c.1910A>G on transcript NM_001111.5 (MANE Select); coding-DNA position 1910, A replaced by G.
Protein change: p.Lys637Arg; replaces lysine 637 with arginine.
Molecular consequence: missense variant.
Genome position (GRCh38, 1-based): chr1:154,597,852, T>C on the plus strand (A>G on the coding strand, the complement: ADAR is on the minus strand). VCF-style: chr1-154597852-T-C. GRCh37 (hg19) VCF-style: chr1-154570328-T-C.
Other names: c.1910A>G, p.Lys637Arg (LRG_1212t1, NM_015840.4, NM_015841.4); c.1025A>G, p.Lys342Arg (NM_001025107.3, NM_001193495.2, NM_001365046.1 and 3 more transcripts); c.1937A>G, p.Lys646Arg (NM_001365045.1); short protein forms K637R, K646R, K342R.
Identifiers: ClinVar variation 292772 (VCV000292772.12), dbSNP rs886045341, ClinGen allele CA10607938.